The following is an entry in ClinVar:

NM_000018.4(ACADVL):c.809C>G (p.Pro270Arg)

Gene: ACADVL (acyl-CoA dehydrogenase very long chain; plus strand). Cytogenetic location: 17p13.1.
Variant type: single nucleotide variant.
Coding change: c.809C>G on transcript NM_000018.4 (MANE Select); coding-DNA position 809, C replaced by G.
Protein change: p.Pro270Arg; replaces proline 270 with arginine.
Molecular consequence: missense variant.
Genome position (GRCh38, 1-based): chr17:7,222,233, C>G. VCF-style: chr17-7222233-C-G. GRCh37 (hg19) VCF-style: chr17-7125552-C-G.
Other names: c.743C>G, p.Pro248Arg (NM_001033859.3); c.878C>G, p.Pro293Arg (NM_001270447.2); c.581C>G, p.Pro194Arg (NM_001270448.2); short protein forms P270R, P194R, P248R, P293R.
Identifiers: ClinVar variation 2012873 (VCV002012873.4), dbSNP rs1203047984, ClinGen allele CA397723736.

ClinVar aggregate classification (germline): Uncertain significance (1 of 4 stars; one submission).

Conditions:
Very long chain acyl-CoA dehydrogenase deficiency (ACADVLD). Also called: VLCAD Deficiency; Very Long-Chain Acyl-Coenzyme A Dehydrogenase Deficiency. Identifiers: Orphanet 26793, MedGen C3887523, MONDO:0008723, OMIM 201475.

Allele frequency attached by ClinVar (database versions not stated): gnomAD exomes below 0.00001.
gnomAD v4.1: 1 of 1,614,110 alleles (0.000062%); no homozygotes.

Submission:

Labcorp Genetics (formerly Invitae), Labcorp
Classification: Uncertain significance for Very long chain acyl-CoA dehydrogenase deficiency. Last evaluated: 2024-10-24. Review status: criteria provided, single submitter. Criteria: Invitae Variant Classification Sherloc (09022015). Collection method: clinical testing. Allele origin: germline.
Comment: This sequence change replaces proline, which is neutral and non-polar, with arginine, which is basic and polar, at codon 270 of the ACADVL protein (p.Pro270Arg). This variant is present in population databases (no rsID available, gnomAD 0.004%). This variant has not been reported in the literature in individuals affected with ACADVL-related conditions. ClinVar contains an entry for this variant (Variation ID: 2012873). Invitae Evidence Modeling of protein sequence and biophysical properties (such as structural, functional, and spatial information, amino acid conservation, physicochemical variation, residue mobility, and thermodynamic stability) has been performed for this missense variant. However, the output from this modeling did not meet the statistical confidence thresholds required to predict the impact of this variant on ACADVL protein function. In summary, the available evidence is currently insufficient to determine the role of this variant in disease. Therefore, it has been classified as a Variant of Uncertain Significance.